The following is an entry in ClinVar:

NM_016356.5(DCDC2):c.1241A>C (p.Glu414Ala)

Gene: DCDC2 (doublecortin domain containing 2; minus strand). Cytogenetic location: 6p22.3.
Variant type: single nucleotide variant.
Coding change: c.1241A>C on transcript NM_016356.5 (MANE Select); coding-DNA position 1241, A replaced by C.
Protein change: p.Glu414Ala; replaces glutamic acid 414 with alanine.
Molecular consequence: missense variant.
Genome position (GRCh38, 1-based): chr6:24,178,415, T>G on the plus strand (A>C on the coding strand, the complement: DCDC2 is on the minus strand). VCF-style: chr6-24178415-T-G. GRCh37 (hg19) VCF-style: chr6-24178643-T-G.
Other names: c.1241A>C, p.Glu414Ala (NM_001195610.2); c.1241A>C (NM_016356.3); short protein forms E414A.
Identifiers: ClinVar variation 1360754 (VCV001360754.5), dbSNP rs773832570, ClinGen allele CA3654474.

ClinVar aggregate classification (germline): Uncertain significance. Review status: criteria provided, multiple submitters, no conflicts (2 of 4 stars). 2 submissions from 2 submitters: Uncertain significance (2). Last evaluated 2025-08-20.

Conditions:
Autosomal recessive nonsyndromic hearing loss 66 (DFNB66). Also called: Deafness, autosomal recessive 66. Identifiers: Orphanet 90636, MedGen C1857750, MONDO:0012442, OMIM 610212.
Isolated neonatal sclerosing cholangitis (NSC). Also called: Sclerosing cholangitis, neonatal. Identifiers: Orphanet 480556, MedGen C4479344, MONDO:0018816, OMIM 617394.
Inborn genetic diseases. Identifiers: MedGen C0950123, MeSH D030342.

Allele frequency attached by ClinVar (database versions not stated): TOPMed below 0.00001; ExAC 0.00001; gnomAD exomes 0.00001.
gnomAD v4.1: 11 of 1,614,210 alleles (0.00068%); highest among the groups gnomAD compares: Admixed American, 0.012%; no homozygotes.

Submissions (2):

Ambry Genetics
Classification: Uncertain significance for Inborn genetic diseases. Last evaluated: 2025-08-20. Review status: criteria provided, single submitter. Criteria: Ambry Variant Classification Scheme 2023. Collection method: clinical testing. Allele origin: germline.

Labcorp Genetics (formerly Invitae), Labcorp
Classification: Uncertain significance for Autosomal recessive nonsyndromic hearing loss 66; Isolated neonatal sclerosing cholangitis. Last evaluated: 2022-11-22. Review status: criteria provided, single submitter. Criteria: Invitae Variant Classification Sherloc (09022015). Collection method: clinical testing. Allele origin: germline.
Comment: This variant is present in population databases (rs773832570, gnomAD 0.006%). This sequence change replaces glutamic acid, which is acidic and polar, with alanine, which is neutral and non-polar, at codon 414 of the DCDC2 protein (p.Glu414Ala). This variant has not been reported in the literature in individuals affected with DCDC2-related conditions. In summary, the available evidence is currently insufficient to determine the role of this variant in disease. Therefore, it has been classified as a Variant of Uncertain Significance. Algorithms developed to predict the effect of missense changes on protein structure and function are either unavailable or do not agree on the potential impact of this missense change (SIFT: "Tolerated"; PolyPhen-2: "Probably Damaging"; Align-GVGD: "Class C0"). ClinVar contains an entry for this variant (Variation ID: 1360754).